The following is an entry in ClinVar:

NM_001042681.2(RERE):c.416G>A (p.Cys139Tyr)

Gene: RERE (arginine-glutamic acid dipeptide repeats; minus strand). Cytogenetic location: 1p36.23.
Variant type: single nucleotide variant.
Coding change: c.416G>A on transcript NM_001042681.2 (MANE Select); coding-DNA position 416, G replaced by A.
Protein change: p.Cys139Tyr; replaces cysteine 139 with tyrosine.
Molecular consequence: missense variant.
Genome position (GRCh38, 1-based): chr1:8,614,667, C>T on the plus strand (G>A on the coding strand, the complement: RERE is on the minus strand). VCF-style: chr1-8614667-C-T. GRCh37 (hg19) VCF-style: chr1-8674726-C-T.
Other names: c.416G>A, p.Cys139Tyr (NM_012102.4); c.416G>A (NM_012102.3); short protein forms C139Y.
Identifiers: ClinVar variation 2972741 (VCV002972741.4), dbSNP rs745993033, ClinGen allele CA572078.

ClinVar aggregate classification (germline): Conflicting classifications of pathogenicity. Review status: criteria provided, conflicting classifications (1 of 4 stars). 2 submissions from 2 submitters: Uncertain significance (1); Likely benign (1). Last evaluated 2025-08-13.

Conditions:
Inborn genetic diseases. Identifiers: MedGen C0950123, MeSH D030342.

Allele frequency attached by ClinVar (database versions not stated): gnomAD exomes 0.00001; TOPMed 0.00001; ExAC 0.00002.
gnomAD v4.1: 8 of 1,611,468 alleles (0.0005%); highest among the groups gnomAD compares: Admixed American, 0.01%; no homozygotes.

Submissions (2):

Ambry Genetics
Classification: Likely benign for Inborn genetic diseases. Last evaluated: 2025-08-13. Review status: criteria provided, single submitter. Criteria: Ambry Variant Classification Scheme 2023. Collection method: clinical testing. Allele origin: germline.

Labcorp Genetics (formerly Invitae), Labcorp
Classification: Uncertain significance. Last evaluated: 2022-11-25. Review status: criteria provided, single submitter. Criteria: Invitae Variant Classification Sherloc (09022015). Collection method: clinical testing. Allele origin: germline.
Comment: In summary, the available evidence is currently insufficient to determine the role of this variant in disease. Therefore, it has been classified as a Variant of Uncertain Significance. Advanced modeling of protein sequence and biophysical properties (such as structural, functional, and spatial information, amino acid conservation, physicochemical variation, residue mobility, and thermodynamic stability) performed at Invitae indicates that this missense variant is not expected to disrupt RERE protein function. This variant has not been reported in the literature in individuals affected with RERE-related conditions. This variant is present in population databases (rs745993033, gnomAD 0.02%). This sequence change replaces cysteine, which is neutral and slightly polar, with tyrosine, which is neutral and polar, at codon 139 of the RERE protein (p.Cys139Tyr).